The following is an entry in ClinVar:

ClinVar aggregate classification (germline): Uncertain significance. Review status: criteria provided, multiple submitters, no conflicts (2 of 4 stars). 2 submissions from 2 submitters: Uncertain significance (2). Last evaluated 2026-09-03.

Conditions:
Cardiomyopathy (CMYO). Also called: Cardiomyopathies. Identifiers: Orphanet 167848, MedGen C0878544, MONDO:0004994, HP:0001638. Inheritance: Various modes of inheritance.
Cardiovascular phenotype. Identifiers: MedGen CN230736.

gnomAD v4.1: 2 of 1,613,878 alleles (0.00012%); highest among the groups gnomAD compares: Non-Finnish European, 0.00017%; no homozygotes.

Submissions (2):

Ambry Genetics
Classification: Uncertain significance for Cardiovascular phenotype. Last evaluated: 2026-09-03. Review status: criteria provided, single submitter. Criteria: Ambry Variant Classification Scheme 2023. Collection method: clinical testing. Allele origin: germline.
Comment: The c.7611C>T variant (also known as p.G2537G), located in coding exon 50 of the RYR2 gene, results from a C to T substitution at nucleotide position 7611. This nucleotide substitution does not change the amino acid at codon 2537. This nucleotide position is not well conserved in available vertebrate species. In silico splice site analysis predicts that this alteration may result in the creation or strengthening of a novel splice donor site. Based on the available evidence, the clinical significance of this variant remains unclear.

Color Diagnostics, LLC DBA Color Health
Classification: Uncertain significance for Cardiomyopathy. Last evaluated: 2025-06-17. Review status: criteria provided, single submitter. Criteria: ACMG Guidelines, 2015. Collection method: clinical testing. Allele origin: germline.
Comment: This variant is located in the RYR2 protein. To our knowledge, functional studies have not been reported for this variant. This variant has not been reported in individuals affected with RYR2-related disorders in the literature. This variant has not been identified in the general population by the Genome Aggregation Database (gnomAD). The available evidence is insufficient to determine the role of this variant in disease conclusively. Therefore, this variant is classified as a Variant of Uncertain Significance.

NM_001035.3(RYR2):c.7611C>T (p.Gly2537=)

Gene: RYR2 (ryanodine receptor 2; plus strand). Cytogenetic location: 1q43.
Variant type: single nucleotide variant.
Coding change: c.7611C>T on transcript NM_001035.3 (MANE Select); coding-DNA position 7611, C replaced by T.
Protein change: p.Gly2537=; no amino-acid change (glycine 2537 retained).
Molecular consequence: synonymous variant.
Genome position (GRCh38, 1-based): chr1:237,649,975, C>T. VCF-style: chr1-237649975-C-T. GRCh37 (hg19) VCF-style: chr1-237813275-C-T.
Other names: c.7611C>T (NM_001035.2).
Identifiers: ClinVar variation 4757209 (VCV004757209.2).
Genomic context (GRCh38, chr1:237,649,975, plus strand): 5'-TCGGTACCTTTGCACAGCCGTCTTGCCATTGTTAACAAGATGTGCTCCTCTCTTTGCTGG[C>T]ACAGAGCACCACGCTTCTCTCATTGACTCATTACTTCATACTGTGTATAGACTTTCTAAG-3'
Protein context (NP_001026.2, residues 2527-2547): LLTRCAPLFA[Gly2537=]TEHHASLIDS